The following is an entry in ClinVar:

NM_000038.6(APC):c.6493C>T (p.Pro2165Ser)

Gene: APC (APC regulator of Wnt signaling pathway; plus strand). Cytogenetic location: 5q22.2.
Variant type: single nucleotide variant.
Coding change: c.6493C>T on transcript NM_000038.6 (MANE Select); coding-DNA position 6493, C replaced by T.
Protein change: p.Pro2165Ser; replaces proline 2165 with serine.
Molecular consequence: missense variant.
Genome position (GRCh38, 1-based): chr5:112,842,087, C>T. VCF-style: chr5-112842087-C-T. GRCh37 (hg19) VCF-style: chr5-112177784-C-T.
Other names: c.6493C>T, p.Pro2165Ser (NM_001127510.3, NM_001354895.2); c.6439C>T, p.Pro2147Ser (NM_001127511.3); c.6547C>T, p.Pro2183Ser (NM_001354896.2); c.6523C>T, p.Pro2175Ser (NM_001354897.2); c.6418C>T, p.Pro2140Ser (NM_001354898.2); c.6409C>T, p.Pro2137Ser (NM_001354899.2); c.6370C>T, p.Pro2124Ser (NM_001354900.2); c.6316C>T, p.Pro2106Ser (NM_001354901.2); and 5 more; short protein forms P2147S, P2165S, P2064S, P1882S, P2140S, P2183S, P2005S, P2039S.
Identifiers: ClinVar variation 482352 (VCV000482352.9), dbSNP rs775501375, ClinGen allele CA045038.
Genomic context (GRCh38, chr5:112,842,087, plus strand): 5'-GGATCACCATTTCATCTTACACCTGATCAAGAAGAAAAACCCTTTACAAGTAATAAAGGC[C>T]CACGAATTCTAAAACCAGGGGAGAAAAGTACATTGGAAACTAAAAAGATAGAATCTGAAA-3'
Protein context (NP_000029.2, residues 2155-2175): EEKPFTSNKG[Pro2165Ser]RILKPGEKST

ClinVar aggregate classification (germline): Uncertain significance. Review status: criteria provided, multiple submitters, no conflicts (2 of 4 stars). 3 submissions from 3 submitters: Uncertain significance (3). Last evaluated 2025-03-09.

Conditions:
Hereditary cancer-predisposing syndrome. Also called: Neoplastic Syndromes, Hereditary; Tumor predisposition; Hereditary Cancer Syndrome; Hereditary neoplastic syndrome. Identifiers: Orphanet 140162, MedGen C0027672, MeSH D009386, MONDO:0015356.
Familial adenomatous polyposis 1 (FAP1). Also called: FAMILIAL ADENOMATOUS POLYPOSIS 1, ATTENUATED; POLYPOSIS, ADENOMATOUS INTESTINAL. Identifiers: MedGen C2713442, MONDO:0021056, OMIM 175100. Disease mechanism: loss of function.

gnomAD v4.1: 2 of 1,610,416 alleles (0.00012%); highest among the groups gnomAD compares: South Asian, 0.0022%; no homozygotes.

Submissions (3):

Color Diagnostics, LLC DBA Color Health
Classification: Uncertain significance for Hereditary cancer-predisposing syndrome. Last evaluated: 2025-03-09. Review status: criteria provided, single submitter. Criteria: ACMG Guidelines, 2015. Collection method: clinical testing. Allele origin: germline.
Comment: This missense variant replaces proline with serine at codon 2165 of the APC protein. Computational prediction suggests that this variant may not impact protein structure and function (internally defined REVEL score threshold <= 0.5, PMID: 27666373). To our knowledge, functional studies have not been reported for this variant. This variant has not been reported in individuals affected with APC-related disorders in the literature. This variant has been identified in 1/249740 chromosomes in the general population by the Genome Aggregation Database (gnomAD). The available evidence is insufficient to determine the role of this variant in disease conclusively. Therefore, this variant is classified as a Variant of Uncertain Significance.

Labcorp Genetics (formerly Invitae), Labcorp
Classification: Uncertain significance for Familial adenomatous polyposis 1. Last evaluated: 2023-07-23. Review status: criteria provided, single submitter. Criteria: Invitae Variant Classification Sherloc (09022015). Collection method: clinical testing. Allele origin: germline.
Comment: ClinVar contains an entry for this variant (Variation ID: 482352). This variant has not been reported in the literature in individuals affected with APC-related conditions. This variant is present in population databases (rs775501375, gnomAD 0.003%). This sequence change replaces proline, which is neutral and non-polar, with serine, which is neutral and polar, at codon 2165 of the APC protein (p.Pro2165Ser). In summary, the available evidence is currently insufficient to determine the role of this variant in disease. Therefore, it has been classified as a Variant of Uncertain Significance. Advanced modeling of protein sequence and biophysical properties (such as structural, functional, and spatial information, amino acid conservation, physicochemical variation, residue mobility, and thermodynamic stability) performed at Invitae indicates that this missense variant is not expected to disrupt APC protein function.

Ambry Genetics
Classification: Uncertain significance for Hereditary cancer-predisposing syndrome. Last evaluated: 2016-05-05. Review status: criteria provided, single submitter. Criteria: Ambry Variant Classification Scheme 2023. Collection method: clinical testing. Allele origin: germline.
Comment: The p.P2165S variant (also known as c.6493C>T), located in coding exon 15 of the APC gene, results from a C to T substitution at nucleotide position 6493. The proline at codon 2165 is replaced by serine, an amino acid with similar properties. This variant was not reported in population based cohorts in the following databases: Database of Single Nucleotide Polymorphisms (dbSNP), NHLBI Exome Sequencing Project (ESP), and 1000 Genomes Project. In the ESP, this variant was not observed in 6489 samples (12978 alleles) with coverage at this position. To date, this alteration has been detected with an allele frequency of approximately 0.001% (greater than 70000 alleles tested) in our clinical cohort. This amino acid position is highly conserved in available vertebrate species. In addition, in silico predictors for this gene do not accurately predict pathogenicity. Since supporting evidence is limited at this time, the clinical significance of this alteration remains unclear.